The following is an entry in ClinVar:

NM_001378454.1(ALMS1):c.10751A>T (p.Gln3584Leu)

Gene: ALMS1 (ALMS1 centrosome and basal body associated protein; plus strand). Cytogenetic location: 2p13.1.
Variant type: single nucleotide variant.
Coding change: c.10751A>T on transcript NM_001378454.1 (MANE Select); coding-DNA position 10751, A replaced by T.
Protein change: p.Gln3584Leu; replaces glutamine 3584 with leucine.
Molecular consequence: missense variant.
Genome position (GRCh38, 1-based): chr2:73,572,628, A>T. VCF-style: chr2-73572628-A-T. GRCh37 (hg19) VCF-style: chr2-73799755-A-T.
Other names: c.10754A>T, p.Gln3585Leu (NM_015120.4); short protein forms Q3585L, Q3584L.
Identifiers: ClinVar variation 235538 (VCV000235538.58), dbSNP rs144486524, ClinGen allele CA1715053.

ClinVar aggregate classification (germline): Benign/Likely benign. Review status: criteria provided, multiple submitters, no conflicts (2 of 4 stars). 12 submissions from 12 submitters: Benign (3); Likely benign (9). Last evaluated 2026-02-02.

Conditions:
Monogenic diabetes. Identifiers: Orphanet 183625, MedGen C3888631, MONDO:0015967.
Cardiovascular phenotype. Identifiers: MedGen CN230736.
Alstrom syndrome (ALMS). Identifiers: Orphanet 64, MedGen C0268425, MONDO:0008763, OMIM 203800.

Allele frequency attached by ClinVar (database versions not stated): gnomAD exomes 0.00024 and 0.00066; ExAC 0.00073; 1000 Genomes Project 0.00260; gnomAD 0.00289 and 0.00310; 1000 Genomes Project 30x 0.00312; TOPMed 0.00317; ESP Exome Variant Server 0.00320.
gnomAD v4.1: 826 of 1,614,090 alleles (0.051%); highest among the groups gnomAD compares: African/African-American, 0.96%; 7 homozygotes.

Submissions (12):

Labcorp Genetics (formerly Invitae), Labcorp
Classification: Likely benign for Alstrom syndrome. Last evaluated: 2026-02-02. Review status: criteria provided, single submitter. Criteria: Invitae Variant Classification Sherloc (09022015). Collection method: clinical testing. Allele origin: germline.

Blueprint Genetics
Classification: Likely benign. Last evaluated: 2023-12-27. Review status: criteria provided, single submitter. Criteria: ACMG Guidelines, 2015. Collection method: clinical testing. Allele origin: germline.

CeGaT Center for Human Genetics Tuebingen
Classification: Likely benign. Last evaluated: 2023-02-01. Review status: criteria provided, single submitter. Criteria: CeGaT Center For Human Genetics Tuebingen Variant Classification Criteria Version 2. Collection method: clinical testing. Allele origin: germline. Affected: yes. Observed: 1 variant allele.
Comment: ALMS1: BP4, BS2

Women's Health and Genetics/Laboratory Corporation of America, LabCorp
Classification: Benign. Last evaluated: 2021-03-11. Review status: criteria provided, single submitter. Criteria: LabCorp Variant Classification Summary - May 2015. Collection method: clinical testing. Allele origin: germline.
Comment: Variant summary: ALMS1 c.10748A>T (p.Gln3583Leu) results in a non-conservative amino acid change in the encoded protein sequence. Four of five in-silico tools predict a benign effect of the variant on protein function. The variant allele was found at a frequency of 0.00066 in 248684 control chromosomes, predominantly at a frequency of 0.0094 within the African or African-American subpopulation in the gnomAD database, including 2 homozygotes. The observed variant frequency within African or African-American control individuals in the gnomAD database is approximately 4 fold of the estimated maximal expected allele frequency for a pathogenic variant in ALMS1 causing Cardiomyopathy phenotype (0.0022), strongly suggesting that the variant is a benign polymorphism found primarily in populations of African or African-American origin. To our knowledge, no occurrence of c.10748A>T in individuals affected with Cardiomyopathy and no experimental evidence demonstrating its impact on protein function have been reported. Seven clinical diagnostic laboratories have submitted clinical-significance assessments for this variant to ClinVar after 2014 without evidence for independent evaluation. All laboratories classified the variant as benign/likely benign. Based on the evidence outlined above, the variant was classified as benign.

GeneDx
Classification: Benign. Last evaluated: 2020-05-18. Review status: criteria provided, single submitter. Criteria: GeneDx Variant Classification Process June 2021. Collection method: clinical testing. Allele origin: germline. Affected: yes.

Ambry Genetics
Classification: Likely benign for Cardiovascular phenotype. Last evaluated: 2019-01-23. Review status: criteria provided, single submitter. Criteria: Ambry Variant Classification Scheme 2023. Collection method: clinical testing. Allele origin: germline.

Personalized Diabetes Medicine Program, University of Maryland School of Medicine
Classification: Likely benign for Monogenic diabetes. Last evaluated: 2018-02-09. Review status: criteria provided, single submitter. Criteria: ACMG Guidelines, 2015. Collection method: research. Allele origin: unknown. Observed: 4 variant alleles, 4 heterozygotes.
Comment: ACMG criteria: BS2, BP4 (6 predictors), BP1 (most causal variants are truncating variants), Note:similar MAF in TODAY/1000G=likely benign

Eurofins Ntd Llc (ga)
Classification: Benign. Last evaluated: 2017-11-15. Review status: criteria provided, single submitter. Criteria: EGL Classification Definitions 2015. Collection method: clinical testing. Allele origin: germline. Observed: 1 variant allele, 1 heterozygote.

Genetic Services Laboratory, University of Chicago
Classification: Likely benign. Last evaluated: 2017-02-07. Review status: criteria provided, single submitter. Criteria: ACMG Guidelines, 2015. Collection method: clinical testing. Allele origin: germline. Affected: no.

Laboratory for Molecular Medicine, Mass General Brigham Personalized Medicine
Classification: Likely benign. Last evaluated: 2016-03-21. Review status: criteria provided, single submitter. Criteria: LMM Criteria. Collection method: clinical testing. Allele origin: germline. Observed: 1 variant allele.
Comment: p.Gln3583Leu in exon 16 of ALMS1: This variant is not expected to have clinical significance because it has been identified in 0.87% (84/9696) of African chromo somes by the Exome Aggregation Consortium (ExAC; dbSNP rs144486524).

Center for Pediatric Genomic Medicine, Children's Mercy Hospital and Clinics
Classification: Likely benign. Last evaluated: 2015-08-26. Review status: criteria provided, single submitter. Criteria: ACMG Guidelines, 2015. Collection method: clinical testing. Allele origin: germline.
ClinVar note: Converted during submission from Likely Benign to Likely benign.

Clinical Genomics, Uppaluri K&H Personalized Medicine Clinic
Classification: Likely benign for Alstrom syndrome. Review status: criteria provided, single submitter. Criteria: K & H Uppaluri Personalized Medicine Clinic Variant Classification & Assertion Criteria_Updated V.1. Collection method: research. Allele origin: unknown. Inheritance: Autosomal recessive inheritance.
Comment: Potent mutations in ALMS1 are associated with a rare condition called Alstrom syndrome. It can cause excessive eating, insulin resistance. However, no evidence is found to ascertain the role of rs144486524 in Alstrom syndrome yet.

Literature cited by the submitters: PubMed 34148947 (cited by Clinical Genomics, Uppaluri K&H Personalized Medicine Clinic); PubMed 25846608 (cited by Clinical Genomics, Uppaluri K&H Personalized Medicine Clinic); PubMed 30421101 (cited by Clinical Genomics, Uppaluri K&H Personalized Medicine Clinic); PubMed 33669459 (cited by Clinical Genomics, Uppaluri K&H Personalized Medicine Clinic).